The following is an entry in ClinVar:

ClinVar aggregate classification (germline): Uncertain significance (1 of 4 stars; one submission).

gnomAD v4.1: 34 of 1,613,862 alleles (0.0021%); highest among the groups gnomAD compares: Non-Finnish European, 0.0027%; no homozygotes.

Submission:

Labcorp Genetics (formerly Invitae), Labcorp
Classification: Uncertain significance. Last evaluated: 2025-05-31. Review status: criteria provided, single submitter. Criteria: Invitae Variant Classification Sherloc (09022015). Collection method: clinical testing. Allele origin: germline.
Comment: This sequence change replaces serine, which is neutral and polar, with alanine, which is neutral and non-polar, at codon 404 of the YME1L1 protein (p.Ser404Ala). This variant is present in population databases (rs375615447, gnomAD 0.004%). This variant has not been reported in the literature in individuals affected with YME1L1-related conditions. An algorithm developed to predict the effect of missense changes on protein structure and function (PolyPhen-2) suggests that this variant is likely to be disruptive. In summary, the available evidence is currently insufficient to determine the role of this variant in disease. Therefore, it has been classified as a Variant of Uncertain Significance.

NM_014263.4(YME1L1):c.1039T>G (p.Ser347Ala)

Gene: YME1L1 (YME1 like 1 ATPase; minus strand). Cytogenetic location: 10p12.1.
Variant type: single nucleotide variant.
Coding change: c.1039T>G on transcript NM_014263.4 (MANE Select); coding-DNA position 1039, T replaced by G.
Protein change: p.Ser347Ala; replaces serine 347 with alanine.
Molecular consequence: missense variant.
Genome position (GRCh38, 1-based): chr10:27,123,610, A>C on the plus strand (T>G on the coding strand, the complement: YME1L1 is on the minus strand). VCF-style: chr10-27123610-A-C. GRCh37 (hg19) VCF-style: chr10-27412539-A-C.
Other names: c.940T>G, p.Ser314Ala (NM_001253866.2); c.1210T>G, p.Ser404Ala (NM_139312.3); short protein forms S347A, S314A, S404A.
Identifiers: ClinVar variation 4696231 (VCV004696231.1).